The following is an entry in ClinVar:

NM_033453.4(ITPA):c.489-62T>A

Gene: ITPA (inosine triphosphatase; plus strand). Cytogenetic location: 20p13.
Variant type: single nucleotide variant.
Coding change: c.489-62T>A on transcript NM_033453.4 (MANE Select); 62 bases into the intron before coding-DNA position 489, T replaced by A.
Molecular consequence: intron variant.
Genome position (GRCh38, 1-based): chr20:3,223,304, T>A. VCF-style: chr20-3223304-T-A. GRCh37 (hg19) VCF-style: chr20-3203950-T-A.
Other names: c.152-62T>A (NM_001324237.2, NM_001324238.2, NM_001324236.2 and 1 more transcripts); c.412-3379T>A (NM_001324240.2); c.366-62T>A (NM_001267623.2); c.438-62T>A (NM_181493.4).
Identifiers: ClinVar variation 1290702 (VCV001290702.5), dbSNP rs2236206, ClinGen allele CA14747553.

ClinVar aggregate classification (germline): Benign. Review status: criteria provided, multiple submitters, no conflicts (2 of 4 stars). 3 submissions from 3 submitters: Benign (3). Last evaluated 2024-07-15.

Allele frequency attached by ClinVar (database versions not stated): gnomAD 0.55184 and 0.55516; TOPMed 0.55270; gnomAD exomes 0.57489; 1000 Genomes Project 30x 0.58510; 1000 Genomes Project 0.59145.
gnomAD v4.1: 690,526 of 1,206,226 alleles (57%); highest among the groups gnomAD compares: South Asian, 64%; 200,050 homozygotes.

Submissions (3):

Unidad de Genómica Garrahan, Hospital de Pediatría Garrahan
Classification: Benign. Last evaluated: 2024-07-15. Review status: criteria provided, single submitter. Criteria: ACMG Guidelines, 2015. Collection method: clinical testing. Allele origin: germline. Affected: no. Observed: 60 variant alleles.
Comment: This variant is classified as Benign based on local population frequency. This variant was detected in 65% of patients studied in a panel designed for Epileptic and Developmental Encephalopathy and Progressive Myoclonus Epilepsy. Number of patients: 60. Only high quality variants are reported.

GeneDx
Classification: Benign. Last evaluated: 2021-05-12. Review status: criteria provided, single submitter. Criteria: GeneDx Variant Classification Process June 2021. Collection method: clinical testing. Allele origin: germline. Affected: yes.

Breakthrough Genomics
Classification: Benign. Review status: criteria provided, single submitter. Criteria: ACMG Guidelines, 2015. Collection method: not provided. Allele origin: germline. Inheritance: Autosomal recessive inheritance. Affected: yes.